The following is an entry in ClinVar:

ClinVar aggregate classification (germline): Uncertain significance (1 of 4 stars; one submission).

Allele frequency attached by ClinVar (database versions not stated): gnomAD exomes below 0.00001; TOPMed below 0.00001.
gnomAD v4.1: 6 of 1,604,266 alleles (0.00037%); highest among the groups gnomAD compares: Admixed American, 0.0017%; no homozygotes.

Submission:

Labcorp Genetics (formerly Invitae), Labcorp
Classification: Uncertain significance. Last evaluated: 2025-11-28. Review status: criteria provided, single submitter. Criteria: Invitae Variant Classification Sherloc (09022015). Collection method: clinical testing. Allele origin: germline.
Comment: This sequence change replaces glycine, which is neutral and non-polar, with serine, which is neutral and polar, at codon 246 of the AP3D1 protein (p.Gly246Ser). This variant is present in population databases (no rsID available, gnomAD 0.003%). This variant has not been reported in the literature in individuals affected with AP3D1-related conditions. ClinVar contains an entry for this variant (Variation ID: 2873936). An algorithm developed to predict the effect of missense changes on protein structure and function (PolyPhen-2) suggests that this variant is likely to be disruptive. In summary, the available evidence is currently insufficient to determine the role of this variant in disease. Therefore, it has been classified as a Variant of Uncertain Significance.

NM_001261826.3(AP3D1):c.736G>A (p.Gly246Ser)

Gene: AP3D1 (adaptor related protein complex 3 subunit delta 1; minus strand). Cytogenetic location: 19p13.3.
Variant type: single nucleotide variant.
Coding change: c.736G>A on transcript NM_001261826.3 (MANE Select); coding-DNA position 736, G replaced by A.
Protein change: p.Gly246Ser; replaces glycine 246 with serine.
Molecular consequence: missense variant.
Genome position (GRCh38, 1-based): chr19:2,129,160, C>T on the plus strand (G>A on the coding strand, the complement: AP3D1 is on the minus strand). VCF-style: chr19-2129160-C-T. GRCh37 (hg19) VCF-style: chr19-2129159-C-T.
Other names: c.736G>A, p.Gly246Ser (NM_001374799.1, NM_003938.8); short protein forms G246S.
Identifiers: ClinVar variation 2873936 (VCV002873936.3), dbSNP rs1305867793, ClinGen allele CA403226707.
Genomic context (GRCh38, chr19:2,129,160, plus strand): 5'-GATTGGTGAGGGGCTCGATCAGCTTCTTGCCCAGCCGCGGTTCCAAAGGAGTAAGAGCAC[C>T]GAACTGTGGGGACAGCAGGGCCTCGGTCACCCGCAGGGAATGCCCCACGCAGGGTGAGGG-3'
Protein context (NP_001248755.1, residues 236-256): WVLIKIIKLF[Gly246Ser]ALTPLEPRLG